The following is an entry in ClinVar:

NM_001009999.3(KDM1A):c.134C>T (p.Ser45Leu)

Gene: KDM1A (lysine demethylase 1A; plus strand). Cytogenetic location: 1p36.12.
Variant type: single nucleotide variant.
Coding change: c.134C>T on transcript NM_001009999.3 (MANE Select); coding-DNA position 134, C replaced by T.
Protein change: p.Ser45Leu; replaces serine 45 with leucine.
Molecular consequence: missense variant.
Genome position (GRCh38, 1-based): chr1:23,019,730, C>T. VCF-style: chr1-23019730-C-T. GRCh37 (hg19) VCF-style: chr1-23346223-C-T.
Other names: c.134C>T, p.Ser45Leu (NM_001363654.2, NM_001410762.1, NM_001410763.1 and 1 more transcripts); short protein forms S45L.
Identifiers: ClinVar variation 4858692 (VCV004858692.1).

ClinVar aggregate classification (germline): Uncertain significance (1 of 4 stars; one submission).

Conditions:
Inborn genetic diseases. Identifiers: MedGen C0950123, MeSH D030342.

Submission:

Ambry Genetics
Classification: Uncertain significance for Inborn genetic diseases. Last evaluated: 2026-03-23. Review status: criteria provided, single submitter. Criteria: Ambry Variant Classification Scheme 2023. Collection method: clinical testing. Allele origin: germline.
Comment: The p.S45L variant (also known as c.134C>T), located in coding exon 1 of the KDM1A gene, results from a C to T substitution at nucleotide position 134. The serine at codon 45 is replaced by leucine, an amino acid with dissimilar properties. This amino acid position is conserved. In addition, this alteration is predicted to be tolerated by in silico analysis. Based on the available evidence, the clinical significance of this variant remains unclear.